The following is an entry in ClinVar:

NM_001197104.2(KMT2A):c.2522del (p.Pro841fs)

Gene: KMT2A (lysine methyltransferase 2A; plus strand). Cytogenetic location: 11q23.3.
Variant type: Deletion.
Coding change: c.2522del on transcript NM_001197104.2 (MANE Select); coding-DNA position 2522, one base deleted (C; older notation c.2522delC).
Protein change: p.Pro841fs; shifts the reading frame from proline 841.
Molecular consequence: frameshift variant.
Genome position (GRCh38, 1-based): chr11:118,473,681, C deleted; the last of 4 consecutive C bases (chr11:118,473,678-118,473,681); deleting any one gives the same sequence. VCF-style (leftmost placement, unchanged base first): chr11-118473677-AC-A. GRCh37 (hg19) VCF-style: chr11-118344392-AC-A.
Other names: c.2522del, p.Pro841fs (NM_005933.4); short protein forms P841fs.
Identifiers: ClinVar variation 843507 (VCV000843507.11), dbSNP rs1949984032, ClinGen allele CA916081656.

ClinVar aggregate classification (germline): Pathogenic (1 of 4 stars; one submission).

Conditions:
Wiedemann-Steiner syndrome (WDSTS). Also called: Growth deficiency and mental retardation with facial dysmorphism. Identifiers: Orphanet 319182, MedGen C1854630, MONDO:0011518, OMIM 605130.

Submission:

Labcorp Genetics (formerly Invitae), Labcorp
Classification: Pathogenic. Last evaluated: 2019-12-15. Review status: criteria provided, single submitter. Criteria: Invitae Variant Classification Sherloc (09022015). Collection method: clinical testing. Allele origin: germline.
Comment: For these reasons, this variant has been classified as Pathogenic. Loss-of-function variants in KMT2A are known to be pathogenic (PMID: 22795537, 25810209). This variant has not been reported in the literature in individuals with KMT2A-related conditions. This variant is not present in population databases (ExAC no frequency). This sequence change creates a premature translational stop signal (p.Pro841Glnfs*108) in the KMT2A gene. It is expected to result in an absent or disrupted protein product.

Literature cited by the submitters: PubMed 22795537 (cited by Labcorp Genetics (formerly Invitae), Labcorp); PubMed 25810209 (cited by Labcorp Genetics (formerly Invitae), Labcorp).